The following is an entry in ClinVar:

NM_000709.4(BCKDHA):c.995+19G>A

Gene: BCKDHA (branched chain keto acid dehydrogenase E1 subunit alpha; plus strand). Cytogenetic location: 19q13.2.
Variant type: single nucleotide variant.
Coding change: c.995+19G>A on transcript NM_000709.4 (MANE Select); 19 bases into the intron after coding-DNA position 995, G replaced by A.
Molecular consequence: intron variant.
Genome position (GRCh38, 1-based): chr19:41,422,789, G>A. VCF-style: chr19-41422789-G-A. GRCh37 (hg19) VCF-style: chr19-41928694-G-A.
Other names: c.992+19G>A (NM_001164783.2).
Identifiers: ClinVar variation 512132 (VCV000512132.5), dbSNP rs373076000, ClinGen allele CA9461319.

ClinVar aggregate classification (germline): Likely benign. Review status: criteria provided, multiple submitters, no conflicts (2 of 4 stars). 2 submissions from 2 submitters: Likely benign (2). Last evaluated 2025-08-18.

Conditions:
Maple syrup urine disease (MSUD). Identifiers: Orphanet 511, MedGen C0024776, MeSH D008375, MONDO:0009563. Disease mechanism: loss of function.

Allele frequency attached by ClinVar (database versions not stated): gnomAD exomes 0.00006; ExAC 0.00008; ESP Exome Variant Server 0.00008; gnomAD 0.00014; TOPMed 0.00014.
gnomAD v4.1: 72 of 1,612,322 alleles (0.0045%); highest among the groups gnomAD compares: African/African-American, 0.052%; no homozygotes.

Submissions (2):

Labcorp Genetics (formerly Invitae), Labcorp
Classification: Likely benign for Maple syrup urine disease. Last evaluated: 2025-08-18. Review status: criteria provided, single submitter. Criteria: Invitae Variant Classification Sherloc (09022015). Collection method: clinical testing. Allele origin: germline.

GeneDx
Classification: Likely benign. Last evaluated: 2017-10-05. Review status: criteria provided, single submitter. Criteria: GeneDx Variant Classification (06012015). Collection method: clinical testing. Allele origin: germline. Affected: yes.
Comment: This variant is considered likely benign or benign based on one or more of the following criteria: it is a conservative change, it occurs at a poorly conserved position in the protein, it is predicted to be benign by multiple in silico algorithms, and/or has population frequency not consistent with disease.